The following is an entry in ClinVar:

NM_001127671.2(LIFR):c.2328A>G (p.Leu776=)

Gene: LIFR (LIF receptor subunit alpha; minus strand). Cytogenetic location: 5p13.1.
Variant type: single nucleotide variant.
Coding change: c.2328A>G on transcript NM_001127671.2 (MANE Select); coding-DNA position 2328, A replaced by G.
Protein change: p.Leu776=; no amino-acid change (leucine 776 retained).
Molecular consequence: synonymous variant.
Genome position (GRCh38, 1-based): chr5:38,489,085, T>C on the plus strand (A>G on the coding strand, the complement: LIFR is on the minus strand). VCF-style: chr5-38489085-T-C. GRCh37 (hg19) VCF-style: chr5-38489187-T-C.
Other names: c.2328A>G (NM_002310.5); c.2328A>G, p.Leu776= (NM_001364297.2, NM_001364298.2, NM_002310.6).
Identifiers: ClinVar variation 1633702 (VCV001633702.10), dbSNP rs2112392589, ClinGen allele CA443943984.

ClinVar aggregate classification (germline): Likely benign. Review status: criteria provided, single submitter (1 of 4 stars). 2 submissions from 2 submitters: Likely benign (1). 1 of the submissions does not count toward it. Last evaluated 2026-01-27.

Conditions:
LIFR-related disorder. Also called: LIFR-related condition.

gnomAD v4.1: 5 of 1,612,580 alleles (0.00031%); highest among the groups gnomAD compares: Non-Finnish European, 0.00042%; no homozygotes.

Submissions (2):

Labcorp Genetics (formerly Invitae), Labcorp
Classification: Likely benign. Last evaluated: 2026-01-27. Review status: criteria provided, single submitter. Criteria: Invitae Variant Classification Sherloc (09022015). Collection method: clinical testing. Allele origin: germline.

PreventionGenetics, part of Exact Sciences
Classification: Likely benign for LIFR-related condition. Last evaluated: 2021-04-26. Review status: no assertion criteria provided. Collection method: clinical testing. Allele origin: germline. Not counted in ClinVar's aggregate classification.
Comment: This variant is classified as likely benign based on ACMG/AMP sequence variant interpretation guidelines (Richards et al. 2015 PMID: 25741868, with internal and published modifications).